The following is an entry in ClinVar:

NM_020433.5(JPH2):c.379G>T (p.Gly127Trp)

Gene: JPH2 (junctophilin 2; minus strand). Cytogenetic location: 20q13.12.
Variant type: single nucleotide variant.
Coding change: c.379G>T on transcript NM_020433.5 (MANE Select); coding-DNA position 379, G replaced by T.
Protein change: p.Gly127Trp; replaces glycine 127 with tryptophan.
Molecular consequence: missense variant.
Genome position (GRCh38, 1-based): chr20:44,186,327, C>A on the plus strand (G>T on the coding strand, the complement: JPH2 is on the minus strand). VCF-style: chr20-44186327-C-A. GRCh37 (hg19) VCF-style: chr20-42814967-C-A.
Other names: c.379G>T, p.Gly127Trp (NM_175913.4); short protein forms G127W.
Identifiers: ClinVar variation 3640113 (VCV003640113.2).

ClinVar aggregate classification (germline): Uncertain significance (1 of 4 stars; one submission).

Conditions:
Hypertrophic cardiomyopathy. Also called: HYPERTROPHIC MYOCARDIOPATHY. Identifiers: Orphanet 217569, MedGen C0007194, MeSH D002312, MONDO:0005045, HP:0001639.

Submission:

Labcorp Genetics (formerly Invitae), Labcorp
Classification: Uncertain significance for Hypertrophic cardiomyopathy. Last evaluated: 2025-06-18. Review status: criteria provided, single submitter. Criteria: Invitae Variant Classification Sherloc (09022015). Collection method: clinical testing. Allele origin: germline.
Comment: This sequence change replaces glycine, which is neutral and non-polar, with tryptophan, which is neutral and slightly polar, at codon 127 of the JPH2 protein (p.Gly127Trp). This variant also falls at the last nucleotide of exon 1, which is part of the consensus splice site for this exon. This variant is not present in population databases (gnomAD no frequency). This variant has not been reported in the literature in individuals affected with JPH2-related conditions. ClinVar contains an entry for this variant (Variation ID: 3640113). An algorithm developed to predict the effect of missense changes on protein structure and function (PolyPhen-2) suggests that this variant is likely to be disruptive. Variants that disrupt the consensus splice site are a relatively common cause of aberrant splicing (PMID: 17576681, 9536098). Algorithms developed to predict the effect of sequence changes on RNA splicing suggest that this variant may disrupt the consensus splice site. In summary, the available evidence is currently insufficient to determine the role of this variant in disease. Therefore, it has been classified as a Variant of Uncertain Significance.

Literature cited by the submitters: PubMed 17576681; PubMed 9536098.